The following is an entry in ClinVar:

NM_002878.4(RAD51D):c.232T>G (p.Ser78Ala)

Genes: RAD51L3-RFFL (RAD51L3-RFFL readthrough; minus strand), RAD51D (RAD51 paralog D; minus strand). Cytogenetic location: 17q12.
Variant type: single nucleotide variant.
Coding change: c.232T>G on transcript NM_002878.4 (MANE Select); coding-DNA position 232, T replaced by G.
Protein change: p.Ser78Ala; replaces serine 78 with alanine.
Molecular consequence: missense variant. On other transcripts: intron variant (2).
Genome position (GRCh38, 1-based): chr17:35,118,532, A>C on the plus strand (T>G on the coding strand, the complement: RAD51D is on the minus strand). VCF-style: chr17-35118532-A-C. GRCh37 (hg19) VCF-style: chr17-33445551-A-C.
Other names: c.144+579T>G (NM_133629.3, NM_001142571.2); short protein forms S78A.
Identifiers: ClinVar variation 584940 (VCV000584940.10), dbSNP rs1567735315, ClinGen allele CA399091232.

ClinVar aggregate classification (germline): Uncertain significance. Review status: criteria provided, multiple submitters, no conflicts (2 of 4 stars). 2 submissions from 2 submitters: Uncertain significance (2). Last evaluated 2023-11-13.

Conditions:
Hereditary breast ovarian cancer syndrome. Also called: Hereditary breast and ovarian cancer; Breast and ovarian cancer; Hereditary breast and/or ovarian cancer syndrome; BRCA1- and BRCA2-Associated Hereditary Breast and Ovarian Cancer; Hereditary breast and ovarian cancer syndrome; Hereditary breast and ovarian cancer syndrome (HBOC). Identifiers: Orphanet 145, MedGen C0677776, MeSH D061325, MONDO:0003582. Disease mechanism: loss of function.
Breast-ovarian cancer, familial, susceptibility to, 4. Identifiers: Orphanet 145, MedGen C3280345, MONDO:0013669, OMIM 614291.

Submissions (2):

Labcorp Genetics (formerly Invitae), Labcorp
Classification: Uncertain significance for Breast-ovarian cancer, familial, susceptibility to, 4. Last evaluated: 2023-11-13. Review status: criteria provided, single submitter. Criteria: Invitae Variant Classification Sherloc (09022015). Collection method: clinical testing. Allele origin: germline.
Comment: This sequence change replaces serine, which is neutral and polar, with alanine, which is neutral and non-polar, at codon 78 of the RAD51D protein (p.Ser78Ala). This variant is not present in population databases (gnomAD no frequency). This missense change has been observed in individual(s) with breast cancer (PMID: 35264596). ClinVar contains an entry for this variant (Variation ID: 584940). Advanced modeling of protein sequence and biophysical properties (such as structural, functional, and spatial information, amino acid conservation, physicochemical variation, residue mobility, and thermodynamic stability) performed at Invitae indicates that this missense variant is not expected to disrupt RAD51D protein function with a negative predictive value of 80%. In summary, the available evidence is currently insufficient to determine the role of this variant in disease. Therefore, it has been classified as a Variant of Uncertain Significance.

Mendelics
Classification: Uncertain significance for Hereditary breast and ovarian cancer syndrome. Last evaluated: 2018-07-02. Review status: criteria provided, single submitter. Criteria: Mendelics Assertion Criteria 2017. Collection method: clinical testing. Allele origin: unknown.

Literature cited by the submitters: PubMed 35264596 (cited by Labcorp Genetics (formerly Invitae), Labcorp).